The following is an entry in ClinVar:

ClinVar aggregate classification (germline): Conflicting classifications of pathogenicity. Review status: criteria provided, conflicting classifications (1 of 4 stars). 8 submissions from 8 submitters: Uncertain significance (1); Likely benign (5). 2 of the submissions do not count toward it. Last evaluated 2026-07-01.

Conditions:
COL6A2-related disorder.
Bethlem myopathy 1A. Also called: MYOPATHY, BENIGN CONGENITAL, WITH CONTRACTURES; Bethlem myopathy 1; Bethlem Muscular Dystrophy. Identifiers: Orphanet 610, MedGen CN029274, MONDO:0024530, OMIM 158810.
Collagen 6-related myopathy. Identifiers: MedGen CN117976, MONDO:0100225.
Tip-toe gait. Also called: Toe walking. Identifiers: MedGen C0427144, HP:0030051.

Allele frequency attached by ClinVar (database versions not stated): gnomAD exomes 0.00012 and 0.00015; ExAC 0.00014; 1000 Genomes Project 30x 0.00016; TOPMed 0.00017; 1000 Genomes Project 0.00020; gnomAD 0.00020; ESP Exome Variant Server 0.00031.
gnomAD v4.1: 240 of 1,613,844 alleles (0.015%); highest among the groups gnomAD compares: Non-Finnish European, 0.019%; no homozygotes.

Submissions (8):

CeGaT Center for Human Genetics Tuebingen
Classification: Likely benign. Last evaluated: 2026-07-01. Review status: criteria provided, single submitter. Criteria: CeGaT Center For Human Genetics Tuebingen Variant Classification Criteria Version 2. Collection method: clinical testing. Allele origin: germline. Affected: yes. Observed: 3 variant alleles.
Comment: COL6A2: BP4, BP7

Labcorp Genetics (formerly Invitae), Labcorp
Classification: Likely benign for Bethlem myopathy 1A. Last evaluated: 2025-12-03. Review status: criteria provided, single submitter. Criteria: Invitae Variant Classification Sherloc (09022015). Collection method: clinical testing. Allele origin: germline.

Laboratory of Genetics, Children's Clinical University Hospital Latvia
Classification: Likely benign. Last evaluated: 2025-02-16. Review status: criteria provided, single submitter. Criteria: ACMG Guidelines, 2015. Collection method: clinical testing. Allele origin: germline. Affected: yes.

GeneDx
Classification: Likely benign. Last evaluated: 2018-04-03. Review status: criteria provided, single submitter. Criteria: GeneDx Variant Classification Process June 2021. Collection method: clinical testing. Allele origin: germline. Affected: yes.

Illumina Laboratory Services, Illumina
Classification: Likely benign for Collagen VI-related myopathy. Last evaluated: 2018-01-12. Review status: criteria provided, single submitter. Criteria: ICSL Variant Classification Criteria 13 December 2019. Collection method: clinical testing. Allele origin: germline.
Comment: This variant was observed in the ICSL laboratory as part of a predisposition screen in an ostensibly healthy population. It had not been previously curated by ICSL or reported in the Human Gene Mutation Database (HGMD: prior to June 1st, 2018), and was therefore a candidate for classification through an automated scoring system. Utilizing variant allele frequency, disease prevalence and penetrance estimates, and inheritance mode, an automated score was calculated to assess if this variant is too frequent to cause the disease. Based on the score and internal cut-off values, a variant classified as likely benign is not then subjected to further curation. The score for this variant resulted in a classification of likely benign for this disease.

Eurofins Ntd Llc (ga)
Classification: Uncertain significance. Last evaluated: 2016-02-16. Review status: criteria provided, single submitter. Criteria: EGL Classification Definitions 2015. Collection method: clinical testing. Allele origin: germline. Observed: 4 variant alleles, 4 heterozygotes.

PreventionGenetics, part of Exact Sciences
Classification: Likely benign for COL6A2-related condition. Last evaluated: 2022-01-22. Review status: no assertion criteria provided. Collection method: clinical testing. Allele origin: germline. Not counted in ClinVar's aggregate classification.
Comment: This variant is classified as likely benign based on ACMG/AMP sequence variant interpretation guidelines (Richards et al. 2015 PMID: 25741868, with internal and published modifications).

Practice for Gait Abnormalities, David Pomarino, Competency Network Toe Walking C/o Practice Pomarino
Classification: Likely pathogenic for Tip-toe gait. Review status: no assertion criteria provided. Collection method: clinical testing. Allele origin: germline. Affected: yes. Not counted in ClinVar's aggregate classification.
Comment: Myopathy refers to diseases that affect skeletal Muscles. These diseases attack muscle fibers, making muscles weak. Inherited myopathies are often caused by inheriting an abnormal gene mutation from a parent that causes the disease. Symptoms of congenital myopathies usually start at birth or in early childhood, but may not appear until the teen years or even later in adulthood. Congenital myopathies are somewhat unique compared with other inherited myopathies, as weakness typically affects all muscles and is often not progressive. Symptoms are: Muscle weakness, most commonly of upper arms and shoulders and thighs, muscle cramps, stiffness and spasms, fatigue with exertion and lack of energy. Our patients all walk on tiptoe, so they show similar symptoms. When we genetically test them with our toe walking panel, we find that around 90 per cent of them have a genetic variant that explains their toe walking. These can be assigned, for example, to the area of myopathies (such as variants of the COL6A3 gene), the area of hereditary neuropathies (such as variants of the KMT2C gene) or the area of metabolic diseases (such as variants of the PYGM gene). In a smaller group of patients with almost identical symptoms, no abnormality is found in the genes of our panel, but spastic paraplegia can be detected. In another small group of our toe walkers, no abnormalities can be detected in the genes analysed in our toe walking panel, nor do they suffer from spastic paraplegia, as is also the case with healthy children. In contrast to these, however, they show a tiptoe gait. These patients suffer from infantile cerebral palsy, in which toe walking can also be observed.

Literature cited by the submitters: PubMed 37091313 (cited by Practice for Gait Abnormalities, David Pomarino, Competency Network Toe Walking C/o Practice Pomarino).

NM_001849.4(COL6A2):c.759A>G (p.Glu253=)

Gene: COL6A2 (collagen type VI alpha 2 chain; plus strand). Cytogenetic location: 21q22.3.
Variant type: single nucleotide variant.
Coding change: c.759A>G on transcript NM_001849.4 (MANE Select); coding-DNA position 759, A replaced by G.
Protein change: p.Glu253=; no amino-acid change (glutamic acid 253 retained).
Molecular consequence: synonymous variant.
Genome position (GRCh38, 1-based): chr21:46,114,031, A>G. VCF-style: chr21-46114031-A-G. GRCh37 (hg19) VCF-style: chr21-47533945-A-G.
Other names: c.759A>G, p.Glu253= (NM_058174.3, NM_058175.3).
Identifiers: ClinVar variation 93960 (VCV000093960.49), dbSNP rs140404854, ClinGen allele CA221840.